The following is an entry in ClinVar:

ClinVar aggregate classification (germline): Likely benign. Review status: criteria provided, multiple submitters, no conflicts (2 of 4 stars). 3 submissions from 3 submitters: Likely benign (2). 1 of the submissions does not count toward it. Last evaluated 2026-01-22.

Conditions:
FAT4-related disorder. Also called: FAT4-related condition.

Allele frequency attached by ClinVar (database versions not stated): ExAC 0.00001; gnomAD exomes 0.00001 and 0.00003; gnomAD 0.00002 and 0.00003; TOPMed 0.00008.
gnomAD v4.1: 45 of 1,613,942 alleles (0.0028%); highest among the groups gnomAD compares: Middle Eastern, 0.033%; no homozygotes.

Submissions (3):

Labcorp Genetics (formerly Invitae), Labcorp
Classification: Likely benign. Last evaluated: 2026-01-22. Review status: criteria provided, single submitter. Criteria: Invitae Variant Classification Sherloc (09022015). Collection method: clinical testing. Allele origin: germline.

Blueprint Genetics
Classification: Likely benign. Last evaluated: 2024-09-13. Review status: criteria provided, single submitter. Criteria: ACMG Guidelines, 2015. Collection method: clinical testing. Allele origin: germline.

PreventionGenetics, part of Exact Sciences
Classification: Likely benign for FAT4-related condition. Last evaluated: 2024-07-27. Review status: no assertion criteria provided. Collection method: clinical testing. Allele origin: germline. Not counted in ClinVar's aggregate classification.
Comment: This variant is classified as likely benign based on ACMG/AMP sequence variant interpretation guidelines (Richards et al. 2015 PMID: 25741868, with internal and published modifications).

NM_001291303.3(FAT4):c.6444T>C (p.Asn2148=)

Gene: FAT4 (FAT atypical cadherin 4; plus strand). Cytogenetic location: 4q28.1.
Variant type: single nucleotide variant.
Coding change: c.6444T>C on transcript NM_001291303.3 (MANE Select); coding-DNA position 6444, T replaced by C.
Protein change: p.Asn2148=; no amino-acid change (asparagine 2148 retained).
Molecular consequence: synonymous variant.
Genome position (GRCh38, 1-based): chr4:125,415,407, T>C. VCF-style: chr4-125415407-T-C. GRCh37 (hg19) VCF-style: chr4-126336562-T-C.
Other names: c.6444T>C (NM_024582.4); c.6444T>C, p.Asn2148= (NM_001291285.3, NM_024582.6).
Identifiers: ClinVar variation 1564922 (VCV001564922.12), dbSNP rs779420772, ClinGen allele CA3072918.